The following is an entry in ClinVar:

NM_002497.4(NEK2):c.47C>G (p.Thr16Arg)

Genes: NEK2 (NIMA related kinase 2; minus strand), LOC129932452 (ATAC-STARR-seq lymphoblastoid active region 2489; plus strand). Cytogenetic location: 1q32.3.
Variant type: single nucleotide variant.
Coding change: c.47C>G on transcript NM_002497.4 (MANE Select); coding-DNA position 47, C replaced by G.
Protein change: p.Thr16Arg; replaces threonine 16 with arginine.
Molecular consequence: missense variant.
Genome position (GRCh38, 1-based): chr1:211,675,433, G>C on the plus strand (C>G on the coding strand, the complement: NEK2 is on the minus strand). VCF-style: chr1-211675433-G-C. GRCh37 (hg19) VCF-style: chr1-211848775-G-C.
Other names: c.47C>G, p.Thr16Arg (NM_001204182.2, NM_001204183.2); short protein forms T16R.
Identifiers: ClinVar variation 3653353 (VCV003653353.2).
Genomic context (GRCh38, chr1:211,675,433, plus strand): 5'-CCCACGCTCACCTTGCCATCACTCTTCCTCCGGATCTTCTGGCAGCGGCCGTAGGAGCCT[G>C]TGCCAATGGTGTACAACACTTCATAGTCCTCAGCCCGGGAAGGCATGGCCGGCCAGTCGC-3'
Protein context (NP_002488.1, residues 6-26): EDYEVLYTIG[Thr16Arg]GSYGRCQKIR

ClinVar aggregate classification (germline): Uncertain significance (1 of 4 stars; one submission).

Submission:

Labcorp Genetics (formerly Invitae), Labcorp
Classification: Uncertain significance. Last evaluated: 2024-05-23. Review status: criteria provided, single submitter. Criteria: Invitae Variant Classification Sherloc (09022015). Collection method: clinical testing. Allele origin: germline.
Comment: This sequence change replaces threonine, which is neutral and polar, with arginine, which is basic and polar, at codon 16 of the NEK2 protein (p.Thr16Arg). This variant is not present in population databases (gnomAD no frequency). This variant has not been reported in the literature in individuals affected with NEK2-related conditions. An algorithm developed to predict the effect of missense changes on protein structure and function (PolyPhen-2) suggests that this variant is likely to be tolerated. In summary, the available evidence is currently insufficient to determine the role of this variant in disease. Therefore, it has been classified as a Variant of Uncertain Significance.